The following is an entry in ClinVar:

ClinVar aggregate classification (germline): Pathogenic/Likely pathogenic. Review status: criteria provided, multiple submitters, no conflicts (2 of 4 stars). 7 submissions from 7 submitters: Pathogenic (4); Likely pathogenic (2). 1 of the submissions does not count toward it. Last evaluated 2025-12-17.

Conditions:
Hereditary cancer-predisposing syndrome. Also called: Hereditary Cancer Syndrome; Hereditary neoplastic syndrome; Tumor predisposition; Neoplastic Syndromes, Hereditary. Identifiers: Orphanet 140162, MedGen C0027672, MeSH D009386, MONDO:0015356.
Bloom syndrome (BLM). Also called: Bloom-Torre-Machacek syndrome. Identifiers: Orphanet 125, MedGen C0005859, MONDO:0008876, OMIM 210900.

Allele frequency attached by ClinVar (database versions not stated): gnomAD exomes below 0.00001; ExAC 0.00001; gnomAD 0.00001; TOPMed 0.00001.
gnomAD v4.1: 1 of 1,613,856 alleles (0.000062%); highest among the groups gnomAD compares: African/African-American, 0.0013%; no homozygotes.

Submissions (7):

Labcorp Genetics (formerly Invitae), Labcorp
Classification: Pathogenic for Bloom syndrome. Last evaluated: 2025-12-17. Review status: criteria provided, single submitter. Criteria: Invitae Variant Classification Sherloc (09022015). Collection method: clinical testing. Allele origin: germline.
Comment: This sequence change creates a premature translational stop signal (p.Ser434*) in the BLM gene. It is expected to result in an absent or disrupted protein product. Loss-of-function variants in BLM are known to be pathogenic (PMID: 17407155). This variant is not present in population databases (gnomAD no frequency). This variant has not been reported in the literature in individuals affected with BLM-related conditions. ClinVar contains an entry for this variant (Variation ID: 555723). For these reasons, this variant has been classified as Pathogenic.

Natera, Inc.
Classification: Likely pathogenic for Bloom syndrome. Last evaluated: 2024-10-15. Review status: criteria provided, single submitter. Criteria: Natera Variant Classification Schema (03/2026). Collection method: clinical testing. Allele origin: germline.
Comment: The c.1301C>G variant in BLM is a nonsense variant predicted to introduce a stop codon at amino acid 434. This variant is expected to result in nonsense mediated decay, truncation, or a dysfunctional protein product. This variant is rare in the general population with a frequency below the threshold expected for the associated phenotype(s). Given the available evidence, this variant is classified as Likely Pathogenic.

Baylor Genetics
Classification: Likely pathogenic for Bloom syndrome. Last evaluated: 2023-08-17. Review status: criteria provided, single submitter. Criteria: ACMG Guidelines, 2015. Collection method: clinical testing. Allele origin: unknown.

Ambry Genetics
Classification: Pathogenic for Hereditary cancer-predisposing syndrome. Last evaluated: 2022-09-08. Review status: criteria provided, single submitter. Criteria: Ambry Variant Classification Scheme 2023. Collection method: clinical testing. Allele origin: germline.
Comment: The p.S434* pathogenic mutation (also known as c.1301C>G), located in coding exon 6 of the BLM gene, results from a C to G substitution at nucleotide position 1301. This changes the amino acid from a serine to a stop codon within coding exon 6. This alteration is expected to result in loss of function by premature protein truncation or nonsense-mediated mRNA decay. As such, this alteration is interpreted as a disease-causing mutation.

GeneDx
Classification: Pathogenic. Last evaluated: 2022-06-29. Review status: criteria provided, single submitter. Criteria: GeneDx Variant Classification Process June 2021. Collection method: clinical testing. Allele origin: germline. Affected: yes.
Comment: Nonsense variant predicted to result in protein truncation or nonsense mediated decay in a gene for which loss of function is a known mechanism of disease; Not observed at significant frequency in large population cohorts (gnomAD); Has not been previously published in an individual with BLM-related Bloom syndrome as pathogenic or benign to our knowledge; This variant is associated with the following publications: (PMID: 20719863, 29625052, 29478780)

Revvity Omics, Revvity
Classification: Pathogenic for Bloom syndrome. Last evaluated: 2019-03-05. Review status: criteria provided, single submitter. Criteria: ACMG Guidelines, 2015. Collection method: clinical testing. Allele origin: germline.

Counsyl
Classification: Likely pathogenic for Bloom syndrome. Last evaluated: 2017-12-19. Review status: no assertion criteria provided. Collection method: clinical testing. Allele origin: unknown. Not counted in ClinVar's aggregate classification.

Literature cited by the submitters: PubMed 17407155 (cited by Labcorp Genetics (formerly Invitae), Labcorp).

NM_000057.4(BLM):c.1301C>G (p.Ser434Ter)

Gene: BLM (BLM RecQ like helicase; plus strand). Cytogenetic location: 15q26.1.
Variant type: single nucleotide variant.
Coding change: c.1301C>G on transcript NM_000057.4 (MANE Select); coding-DNA position 1301, C replaced by G.
Protein change: p.Ser434Ter; replaces serine 434 with a stop codon.
Molecular consequence: nonsense.
Genome position (GRCh38, 1-based): chr15:90,760,674, C>G. VCF-style: chr15-90760674-C-G. GRCh37 (hg19) VCF-style: chr15-91303904-C-G.
Other names: c.1301C>G (LRG_20t1); c.1301C>G, p.Ser434Ter (NM_001287246.2, NM_001287247.2); c.176C>G, p.Ser59Ter (NM_001287248.2); short protein forms S434*, S59*.
Identifiers: ClinVar variation 555723 (VCV000555723.20), dbSNP rs754203833, ClinGen allele CA7738519.